The following is an entry in ClinVar:

ClinVar aggregate classification (germline): Uncertain significance. Review status: criteria provided, multiple submitters, no conflicts (2 of 4 stars). 3 submissions from 3 submitters: Uncertain significance (3). Last evaluated 2026-01-07.

Conditions:
Hereditary cancer-predisposing syndrome. Also called: Tumor predisposition; Neoplastic Syndromes, Hereditary; Hereditary Cancer Syndrome; Hereditary neoplastic syndrome. Identifiers: Orphanet 140162, MedGen C0027672, MeSH D009386, MONDO:0015356.
Parathyroid carcinoma (PRTC). Also called: CDC73-Related Parathyroid Carcinoma; Parathyroid gland carcinoma. Identifiers: Orphanet 143, MedGen C0687150, MONDO:0012004, OMIM 608266, HP:0006780.

Allele frequency attached by ClinVar (database versions not stated): gnomAD exomes below 0.00001; TOPMed below 0.00001.
gnomAD v4.1: 1 of 1,609,112 alleles (0.000062%); highest among the groups gnomAD compares: Non-Finnish European, 0.000085%; no homozygotes.

Submissions (3):

Labcorp Genetics (formerly Invitae), Labcorp
Classification: Uncertain significance for Parathyroid carcinoma. Last evaluated: 2026-01-07. Review status: criteria provided, single submitter. Criteria: Invitae Variant Classification Sherloc (09022015). Collection method: clinical testing. Allele origin: germline.
Comment: This sequence change replaces arginine, which is basic and polar, with cysteine, which is neutral and slightly polar, at codon 484 of the CDC73 protein (p.Arg484Cys). This variant is present in population databases (no rsID available, gnomAD 0.0009%). This variant has not been reported in the literature in individuals affected with CDC73-related conditions. ClinVar contains an entry for this variant (Variation ID: 801587). Invitae Evidence Modeling of protein sequence and biophysical properties (such as structural, functional, and spatial information, amino acid conservation, physicochemical variation, residue mobility, and thermodynamic stability) indicates that this missense variant is not expected to disrupt CDC73 protein function with a negative predictive value of 80%. In summary, the available evidence is currently insufficient to determine the role of this variant in disease. Therefore, it has been classified as a Variant of Uncertain Significance.

Mendelics
Classification: Uncertain significance for Parathyroid carcinoma. Last evaluated: 2024-04-08. Review status: criteria provided, single submitter. Criteria: Mendelics Assertion Criteria 2017. Collection method: clinical testing. Allele origin: unknown.

Ambry Genetics
Classification: Uncertain significance for Hereditary cancer-predisposing syndrome. Last evaluated: 2023-09-06. Review status: criteria provided, single submitter. Criteria: Ambry Variant Classification Scheme 2023. Collection method: clinical testing. Allele origin: germline.
Comment: The p.R484C variant (also known as c.1450C>T), located in coding exon 16 of the CDC73 gene, results from a C to T substitution at nucleotide position 1450. The arginine at codon 484 is replaced by cysteine, an amino acid with highly dissimilar properties. This amino acid position is well conserved in available vertebrate species. In addition, this alteration is predicted to be tolerated by in silico analysis. Since supporting evidence is limited at this time, the clinical significance of this alteration remains unclear.

NM_024529.5(CDC73):c.1450C>T (p.Arg484Cys)

Gene: CDC73 (cell division cycle 73; plus strand). Cytogenetic location: 1q31.2.
Variant type: single nucleotide variant.
Coding change: c.1450C>T on transcript NM_024529.5 (MANE Select); coding-DNA position 1450, C replaced by T.
Protein change: p.Arg484Cys; replaces arginine 484 with cysteine.
Molecular consequence: missense variant.
Genome position (GRCh38, 1-based): chr1:193,249,762, C>T. VCF-style: chr1-193249762-C-T. GRCh37 (hg19) VCF-style: chr1-193218892-C-T.
Other names: short protein forms R484C.
Identifiers: ClinVar variation 801587 (VCV000801587.14), dbSNP rs1225502334, ClinGen allele CA344078407.